The following is an entry in ClinVar:

NM_001099409.3(EHBP1L1):c.105-2A>G

Gene: EHBP1L1 (EH domain binding protein 1 like 1; plus strand). Cytogenetic location: 11q13.1.
Variant type: single nucleotide variant.
Coding change: c.105-2A>G on transcript NM_001099409.3 (MANE Select); the canonical splice acceptor site of the intron before coding-DNA position 105, A replaced by G.
Molecular consequence: splice acceptor variant.
Genome position (GRCh38, 1-based): chr11:65,579,076, A>G. VCF-style: chr11-65579076-A-G. GRCh37 (hg19) VCF-style: chr11-65346547-A-G.
Other names: c.105-2A>G (NM_001351087.2).
Identifiers: ClinVar variation 3358629 (VCV003358629.2).

ClinVar aggregate classification (germline): Uncertain significance. Review status: criteria provided, single submitter (1 of 4 stars). 2 submissions from 2 submitters: Uncertain significance (1). 1 of the submissions does not count toward it. Last evaluated 2020-08-27.

Conditions:
EHBP1L1-related disorder. Also called: EHBP1L1-related condition.

Submissions (2):

Blueprint Genetics
Classification: Uncertain significance. Last evaluated: 2020-08-27. Review status: criteria provided, single submitter. Criteria: ACMG Guidelines, 2015. Collection method: clinical testing. Allele origin: germline.

PreventionGenetics, part of Exact Sciences
Classification: Uncertain significance for EHBP1L1-related condition. Last evaluated: 2024-07-02. Review status: no assertion criteria provided. Collection method: clinical testing. Allele origin: germline. Not counted in ClinVar's aggregate classification.
Comment: The EHBP1L1 c.105-2A>G variant is predicted to disrupt the AG splice acceptor site and interfere with normal splicing. To our knowledge, this variant has not been reported in the literature or in a large population database, indicating this variant is rare. At this time, the clinical significance of this variant is uncertain due to the absence of conclusive functional and genetic evidence.